The following is an entry in ClinVar:

ClinVar aggregate classification (germline): Uncertain significance. Review status: criteria provided, multiple submitters, no conflicts (2 of 4 stars). 2 submissions from 2 submitters: Uncertain significance (2). Last evaluated 2023-01-23.

Conditions:
PIGN-related disorder. Also called: PIGN-related condition.
Multiple congenital anomalies-hypotonia-seizures syndrome 1 (MCAHS1). Also called: GLYCOSYLPHOSPHATIDYLINOSITOL BIOSYNTHESIS DEFECT 3; PIGN-CDG; Congenital disorder of glycosylation due to PIGN deficiency. Identifiers: Orphanet 280633, MedGen C3279775, MONDO:0013563, OMIM 614080.

Submissions (2):

PreventionGenetics, part of Exact Sciences
Classification: Uncertain significance for PIGN-related condition. Last evaluated: 2023-01-23. Review status: criteria provided, single submitter. Criteria: ACMG Guidelines, 2015. Collection method: clinical testing. Allele origin: germline.
Comment: The PIGN c.854C>T variant is predicted to result in the amino acid substitution p.Thr285Ile. To our knowledge, this variant has not been reported in the literature or in a large population database, indicating this variant is rare. At this time, the clinical significance of this variant is uncertain due to the absence of conclusive functional and genetic evidence.

Labcorp Genetics (formerly Invitae), Labcorp
Classification: Uncertain significance for Multiple congenital anomalies-hypotonia-seizures syndrome 1. Last evaluated: 2022-06-11. Review status: criteria provided, single submitter. Criteria: Invitae Variant Classification Sherloc (09022015). Collection method: clinical testing. Allele origin: germline.
Comment: This sequence change replaces threonine, which is neutral and polar, with isoleucine, which is neutral and non-polar, at codon 285 of the PIGN protein (p.Thr285Ile). This variant is not present in population databases (gnomAD no frequency). This variant has not been reported in the literature in individuals affected with PIGN-related conditions. Algorithms developed to predict the effect of missense changes on protein structure and function are either unavailable or do not agree on the potential impact of this missense change (SIFT: "Not Available"; PolyPhen-2: "Benign"; Align-GVGD: "Not Available"). In summary, the available evidence is currently insufficient to determine the role of this variant in disease. Therefore, it has been classified as a Variant of Uncertain Significance.

NM_176787.5(PIGN):c.854C>T (p.Thr285Ile)

Gene: PIGN (phosphatidylinositol glycan anchor biosynthesis class N; minus strand). Cytogenetic location: 18q21.33.
Variant type: single nucleotide variant.
Coding change: c.854C>T on transcript NM_176787.5 (MANE Select); coding-DNA position 854, C replaced by T.
Protein change: p.Thr285Ile; replaces threonine 285 with isoleucine.
Molecular consequence: missense variant.
Genome position (GRCh38, 1-based): chr18:62,145,977, G>A on the plus strand (C>T on the coding strand, the complement: PIGN is on the minus strand). VCF-style: chr18-62145977-G-A. GRCh37 (hg19) VCF-style: chr18-59813210-G-A.
Other names: c.854C>T, p.Thr285Ile (NM_012327.6); c.854C>T (NM_176787.4); short protein forms T285I.
Identifiers: ClinVar variation 1999945 (VCV001999945.2), dbSNP rs2147270042, ClinGen allele CA402601143.